The following is an entry in ClinVar:

NM_001145809.2(MYH14):c.6065G>C (p.Gly2022Ala)

Gene: MYH14 (myosin heavy chain 14; plus strand). Cytogenetic location: 19q13.33.
Variant type: single nucleotide variant.
Coding change: c.6065G>C on transcript NM_001145809.2 (MANE Select); coding-DNA position 6065, G replaced by C.
Protein change: p.Gly2022Ala; replaces glycine 2022 with alanine.
Molecular consequence: missense variant.
Genome position (GRCh38, 1-based): chr19:50,309,744, G>C. VCF-style: chr19-50309744-G-C. GRCh37 (hg19) VCF-style: chr19-50813001-G-C.
Other names: c.5966G>C, p.Gly1989Ala (NM_001077186.2); c.5942G>C, p.Gly1981Ala (NM_024729.4); short protein forms G1981A, G1989A, G2022A.
Identifiers: ClinVar variation 873466 (VCV000873466.1), dbSNP rs1337213084, ClinGen allele CA406966312.
Genomic context (GRCh38, chr19:50,309,744, plus strand): 5'-TCCGACTAGAGGAGGGCGTGGCATCCGACGAGGAGGCAGAGGAAGCACAGCCTGGGTCTG[G>C]GCCATCCCCGGAGCCTGAGGGGTCCCCACCAGCCCACCCCCAGTGACCCTACCCTGTCCC-3'
Protein context (NP_001139281.1, residues 2012-2032): EEAEEAQPGS[Gly2022Ala]PSPEPEGSPP

ClinVar aggregate classification (germline): Uncertain significance (1 of 4 stars; one submission).

Conditions:
Autosomal dominant nonsyndromic hearing loss 4A. Also called: Deafness, autosomal dominant 4A. Identifiers: Orphanet 90635, MedGen C1833503, MONDO:0010915, OMIM 600652.

Allele frequency attached by ClinVar (database versions not stated): gnomAD 0.00002; TOPMed 0.00002.
gnomAD v4.1: 3 of 1,593,004 alleles (0.00019%); highest among the groups gnomAD compares: African/African-American, 0.004%; no homozygotes.

Submission:

UNC Molecular Genetics  Laboratory, University of North Carolina at Chapel Hill
Classification: Uncertain significance for Deafness, autosomal dominant 4. Review status: criteria provided, single submitter. Criteria: ACMG Guidelines, 2015. Collection method: research. Allele origin: germline. Affected: yes. Observed: 1 variant allele. Study: NSIGHT-NC NEXUS.
Comment: The MYH14 c.5942G>C (p.G1981A) missense variant has not been reported in association with hearing loss; therefore is a variant of uncertain significance.